The following is an entry in ClinVar:

ClinVar aggregate classification (germline): Uncertain significance. Review status: criteria provided, multiple submitters, no conflicts (2 of 4 stars). 2 submissions from 2 submitters: Uncertain significance (2). Last evaluated 2025-06-17.

Allele frequency attached by ClinVar (database versions not stated): ExAC 0.00005; gnomAD 0.00009 and 0.00011; TOPMed 0.00010; gnomAD exomes 0.00011 and 0.00014; ESP Exome Variant Server 0.00022.
gnomAD v4.1: 204 of 1,537,034 alleles (0.013%); highest among the groups gnomAD compares: Middle Eastern, 0.033%; no homozygotes.

Submissions (2):

Labcorp Genetics (formerly Invitae), Labcorp
Classification: Uncertain significance. Last evaluated: 2025-06-17. Review status: criteria provided, single submitter. Criteria: Invitae Variant Classification Sherloc (09022015). Collection method: clinical testing. Allele origin: germline.
Comment: This sequence change replaces arginine, which is basic and polar, with histidine, which is basic and polar, at codon 1075 of the PIEZO2 protein (p.Arg1075His). This variant is present in population databases (rs371576361, gnomAD 0.02%). This variant has not been reported in the literature in individuals affected with PIEZO2-related conditions. ClinVar contains an entry for this variant (Variation ID: 1327361). Invitae Evidence Modeling of protein sequence and biophysical properties (such as structural, functional, and spatial information, amino acid conservation, physicochemical variation, residue mobility, and thermodynamic stability) has been performed for this missense variant. However, the output from this modeling did not meet the statistical confidence thresholds required to predict the impact of this variant on PIEZO2 protein function. In summary, the available evidence is currently insufficient to determine the role of this variant in disease. Therefore, it has been classified as a Variant of Uncertain Significance.

GeneDx
Classification: Uncertain significance. Last evaluated: 2021-11-04. Review status: criteria provided, single submitter. Criteria: GeneDx Variant Classification Process June 2021. Collection method: clinical testing. Allele origin: germline. Affected: yes.
Comment: In silico analysis supports that this missense variant has a deleterious effect on protein structure/function; Has not been previously published as pathogenic or benign to our knowledge

NM_001378183.1(PIEZO2):c.3299G>A (p.Arg1100His)

Gene: PIEZO2 (piezo type mechanosensitive ion channel component 2; minus strand). Cytogenetic location: 18p11.22.
Variant type: single nucleotide variant.
Coding change: c.3299G>A on transcript NM_001378183.1 (MANE Select); coding-DNA position 3299, G replaced by A.
Protein change: p.Arg1100His; replaces arginine 1100 with histidine.
Molecular consequence: missense variant.
Genome position (GRCh38, 1-based): chr18:10,761,062, C>T on the plus strand (G>A on the coding strand, the complement: PIEZO2 is on the minus strand). VCF-style: chr18-10761062-C-T. GRCh37 (hg19) VCF-style: chr18-10761060-C-T.
Other names: c.3224G>A, p.Arg1075His (NM_022068.4); short protein forms R1075H, R1100H.
Identifiers: ClinVar variation 1327361 (VCV001327361.3), dbSNP rs371576361, ClinGen allele CA8892559.